The following is an entry in ClinVar:

NM_001394062.1(MACF1):c.19124T>C (p.Leu6375Ser)

Gene: MACF1 (microtubule actin crosslinking factor 1; plus strand). Cytogenetic location: 1p34.3.
Variant type: single nucleotide variant.
Coding change: c.19124T>C on transcript NM_001394062.1 (MANE Select); coding-DNA position 19124, T replaced by C.
Protein change: p.Leu6375Ser; replaces leucine 6375 with serine.
Molecular consequence: missense variant.
Genome position (GRCh38, 1-based): chr1:39,442,733, T>C. VCF-style: chr1-39442733-T-C. GRCh37 (hg19) VCF-style: chr1-39908405-T-C.
Other names: c.7202T>C, p.Leu2401Ser (NM_001397473.1); c.12947T>C, p.Leu4316Ser (NM_012090.5); short protein forms L2401S, L4316S, L6375S.
Identifiers: ClinVar variation 5020505 (VCV005020505.1).

ClinVar aggregate classification (germline): Uncertain significance (1 of 4 stars; one submission).

Submission:

Dasa
Classification: Uncertain significance. Last evaluated: 2026-05-22. Review status: criteria provided, single submitter. Criteria: DASA Assertion Criteria. Collection method: clinical testing. Allele origin: germline.
Comment: NM_001394062.1(MACF1):c.19124T>C (p.Leu6375Ser) is a missense variant that results in the substitution of leucine with serine. This variant is rare in population databases. The currently available literature and clinical evidence are not sufficient to establish a definitive association between this variant and the reported condition. Therefore, this variant is classified as a variant of uncertain significance.